The following is an entry in ClinVar:

NM_001355277.1(CENPVL1):c.324G>A (p.Lys108=)

Gene: CENPVL1 (centromere protein V like 1; plus strand). Cytogenetic location: Xp11.22.
Variant type: single nucleotide variant.
Coding change: c.324G>A on transcript NM_001355277.1 (MANE Select); coding-DNA position 324, G replaced by A.
Protein change: p.Lys108=; no amino-acid change (lysine 108 retained).
Molecular consequence: synonymous variant.
Genome position (GRCh38, 1-based): chrX:51,710,835, G>A. VCF-style: chrX-51710835-G-A. GRCh37 (hg19) VCF-style: chrX-51453931-G-A.
Identifiers: ClinVar variation 2660572 (VCV002660572.24), dbSNP rs1557347443, ClinGen allele CA876156332.

ClinVar aggregate classification (germline): Likely benign (1 of 4 stars; one submission).

Submission:

CeGaT Center for Human Genetics Tuebingen
Classification: Likely benign. Last evaluated: 2025-06-01. Review status: criteria provided, single submitter. Criteria: CeGaT Center For Human Genetics Tuebingen Variant Classification Criteria Version 2. Collection method: clinical testing. Allele origin: germline. Affected: yes. Observed: 3 variant alleles.
Comment: CENPVL1: PM2:Supporting, BP4, BP7